The following is an entry in ClinVar:

NM_001042492.3(NF1):c.8307G>C (p.Gln2769His)

Gene: NF1 (neurofibromin 1; plus strand). Cytogenetic location: 17q11.2.
Variant type: single nucleotide variant.
Coding change: c.8307G>C on transcript NM_001042492.3 (MANE Select); coding-DNA position 8307, G replaced by C.
Protein change: p.Gln2769His; replaces glutamine 2769 with histidine.
Molecular consequence: missense variant.
Genome position (GRCh38, 1-based): chr17:31,360,633, G>C. VCF-style: chr17-31360633-G-C. GRCh37 (hg19) VCF-style: chr17-29687651-G-C.
Other names: c.8244G>C, p.Gln2748His (NM_000267.4); short protein forms Q2748H, Q2769H.
Identifiers: ClinVar variation 2054929 (VCV002054929.4), dbSNP rs774806968, ClinGen allele CA399204903.

ClinVar aggregate classification (germline): Uncertain significance (1 of 4 stars; one submission).

Conditions:
Neurofibromatosis, type 1 (NF1). Also called: NEUROFIBROMATOSIS, TYPE I, SOMATIC; VON RECKLINGHAUSEN DISEASE; Peripheral type neurofibromatosis; Neurofibromatosis, type I. Identifiers: Orphanet 636, MedGen C0027831, MONDO:0018975, OMIM 162200. Disease mechanism: loss of function.

gnomAD v4.1: 1 of 1,614,104 alleles (0.000062%); highest among the groups gnomAD compares: African/African-American, 0.0013%; no homozygotes.

Submission:

Labcorp Genetics (formerly Invitae), Labcorp
Classification: Uncertain significance for Neurofibromatosis, type 1. Last evaluated: 2023-04-11. Review status: criteria provided, single submitter. Criteria: Invitae Variant Classification Sherloc (09022015). Collection method: clinical testing. Allele origin: germline.
Comment: In summary, the available evidence is currently insufficient to determine the role of this variant in disease. Therefore, it has been classified as a Variant of Uncertain Significance. Advanced modeling of protein sequence and biophysical properties (such as structural, functional, and spatial information, amino acid conservation, physicochemical variation, residue mobility, and thermodynamic stability) performed at Invitae indicates that this missense variant is not expected to disrupt NF1 protein function. ClinVar contains an entry for this variant (Variation ID: 2054929). This variant has not been reported in the literature in individuals affected with NF1-related conditions. This variant is not present in population databases (gnomAD no frequency). This sequence change replaces glutamine, which is neutral and polar, with histidine, which is basic and polar, at codon 2748 of the NF1 protein (p.Gln2748His).